The following is an entry in ClinVar:

ClinVar aggregate classification (germline): Pathogenic (1 of 4 stars; one submission).

Conditions:
Tuberous sclerosis 2 (TSC2). Identifiers: Orphanet 805, MedGen C1860707, MONDO:0013199, OMIM 613254.

Submission:

Labcorp Genetics (formerly Invitae), Labcorp
Classification: Pathogenic for Tuberous sclerosis 2. Last evaluated: 2019-06-09. Review status: criteria provided, single submitter. Criteria: Invitae Variant Classification Sherloc (09022015). Collection method: clinical testing. Allele origin: germline.
Comment: Loss-of-function variants in TSC2 are known to be pathogenic (PMID: 10205261, 17304050). For these reasons, this variant has been classified as Pathogenic. This variant has not been reported in the literature in individuals with TSC2-related conditions. This variant is not present in population databases (ExAC no frequency). This sequence change creates a premature translational stop signal (p.Ser1121Aspfs*71) in the TSC2 gene. It is expected to result in an absent or disrupted protein product.

Literature cited by the submitters: PubMed 10205261; PubMed 17304050.

NM_000548.5(TSC2):c.3361_3362delinsGACA (p.Ser1121fs)

Gene: TSC2 (TSC complex subunit 2; plus strand). Cytogenetic location: 16p13.3.
Variant type: Indel.
Coding change: c.3361_3362delinsGACA on transcript NM_000548.5 (MANE Select); coding-DNA positions 3361 to 3362, TC replaced by GACA.
Protein change: p.Ser1121fs; shifts the reading frame from serine 1121.
Molecular consequence: frameshift variant.
Genome position (GRCh38, 1-based): chr16:2,079,633-2,079,634, TC replaced by GACA. VCF-style: chr16-2079633-TC-GACA. GRCh37 (hg19) VCF-style: chr16-2129634-TC-GACA.
Other names: c.3262_3263delinsGACA, p.Ser1088fs (NM_001318832.2); c.3232_3233delinsGACA, p.Ser1078fs (NM_001363528.2, NM_001370405.1, NM_021055.3); c.3229_3230delinsGACA, p.Ser1077fs (NM_001370404.1, NM_001077183.3); c.3361_3362delinsGACA, p.Ser1121fs (NM_001114382.3); c.3121_3122delinsGACA, p.Ser1041fs (NM_001318827.2); c.3085_3086delinsGACA, p.Ser1029fs (NM_001318829.2); c.2629_2630delinsGACA, p.Ser877fs (NM_001318831.2); short protein forms S1029fs, S1088fs, S1041fs, S1078fs, S1121fs, S1077fs, S877fs.
Identifiers: ClinVar variation 968333 (VCV000968333.5), dbSNP rs2089878502, ClinGen allele CA1139664256.